The following is an entry in ClinVar:

NM_003072.5(SMARCA4):c.2109G>C (p.Ala703=)

Gene: SMARCA4 (SWI/SNF related BAF chromatin remodeling complex subunit ATPase 4; plus strand). Cytogenetic location: 19p13.2.
Variant type: single nucleotide variant.
Coding change: c.2109G>C on transcript NM_003072.5 (MANE Select); coding-DNA position 2109, G replaced by C.
Protein change: p.Ala703=; no amino-acid change (alanine 703 retained).
Molecular consequence: synonymous variant. On other transcripts: non-coding transcript variant (1).
Genome position (GRCh38, 1-based): chr19:11,008,009, G>C. VCF-style: chr19-11008009-G-C. GRCh37 (hg19) VCF-style: chr19-11118685-G-C.
Other names: c.2109G>C, p.Ala703= (NM_001128844.3, NM_001128845.2, NM_001128846.2 and 6 more transcripts).
Identifiers: ClinVar variation 2118372 (VCV002118372.12), dbSNP rs376562928, ClinGen allele CA505486827.

ClinVar aggregate classification (germline): Likely benign. Review status: criteria provided, multiple submitters, no conflicts (2 of 4 stars). 2 submissions from 2 submitters: Likely benign (2). Last evaluated 2025-11-17.

Conditions:
Rhabdoid tumor predisposition syndrome 2 (RTPS2). Identifiers: Orphanet 231108, Orphanet 69077, MedGen C2750074, MONDO:0013224, OMIM 613325.

Submissions (2):

Labcorp Genetics (formerly Invitae), Labcorp
Classification: Likely benign for Rhabdoid tumor predisposition syndrome 2. Last evaluated: 2025-11-17. Review status: criteria provided, single submitter. Criteria: Invitae Variant Classification Sherloc (09022015). Collection method: clinical testing. Allele origin: germline.

CeGaT Center for Human Genetics Tuebingen
Classification: Likely benign. Last evaluated: 2025-08-01. Review status: criteria provided, single submitter. Criteria: CeGaT Center For Human Genetics Tuebingen Variant Classification Criteria Version 2. Collection method: clinical testing. Allele origin: germline. Affected: yes. Observed: 1 variant allele.
Comment: SMARCA4: PM2:Supporting, BP4, BP7